The following is an entry in ClinVar:

ClinVar aggregate classification (germline): Uncertain significance (1 of 4 stars; one submission).

Allele frequency attached by ClinVar (database versions not stated): gnomAD exomes below 0.00001; TOPMed below 0.00001; ExAC 0.00001; gnomAD 0.00001 and 0.00006.
gnomAD v4.1: 5 of 1,613,134 alleles (0.00031%); highest among the groups gnomAD compares: Admixed American, 0.0017%; no homozygotes.

Submission:

GeneDx
Classification: Uncertain significance. Last evaluated: 2018-05-17. Review status: criteria provided, single submitter. Criteria: GeneDx Variant Classification (06012015). Collection method: clinical testing. Allele origin: germline. Affected: yes.
Comment: The R649Q variant in the ADCY5 gene has not been reported previously as a pathogenic variant, nor as a benign variant, to our knowledge. The R649Q variant is observed in 2/30928 alleles (0.0065%) alleles in large population cohorts (Lek et al., 2016). The R649Q variant is a semi-conservative amino acid substitution, which may impact secondary protein structure as these residues differ in some properties. In-silico analyses, including protein predictors and evolutionary conservation, support a deleterious effect. We interpret R649Q as a variant of uncertain significance

NM_183357.3(ADCY5):c.1946G>A (p.Arg649Gln)

Gene: ADCY5 (adenylate cyclase 5; minus strand). Cytogenetic location: 3q21.1.
Variant type: single nucleotide variant.
Coding change: c.1946G>A on transcript NM_183357.3 (MANE Select); coding-DNA position 1946, G replaced by A.
Protein change: p.Arg649Gln; replaces arginine 649 with glutamine.
Molecular consequence: missense variant.
Genome position (GRCh38, 1-based): chr3:123,327,619, C>T on the plus strand (G>A on the coding strand, the complement: ADCY5 is on the minus strand). VCF-style: chr3-123327619-C-T. GRCh37 (hg19) VCF-style: chr3-123046466-C-T.
Other names: c.896G>A, p.Arg299Gln (NM_001199642.1); c.1946G>A, p.Arg649Gln (NM_001378259.1); short protein forms R649Q, R299Q.
Identifiers: ClinVar variation 546382 (VCV000546382.2), dbSNP rs764785844, ClinGen allele CA2577325.